The following is an entry in ClinVar:

NM_001303256.3(MORC2):c.157+1G>A

Gene: MORC2 (MORC family CW-type zinc finger 2; minus strand). Cytogenetic location: 22q12.2.
Variant type: single nucleotide variant.
Coding change: c.157+1G>A on transcript NM_001303256.3 (MANE Select); the canonical splice donor site of the intron after coding-DNA position 157, G replaced by A.
Molecular consequence: splice donor variant.
Genome position (GRCh38, 1-based): chr22:30,956,762, C>T on the plus strand (G>A on the coding strand, the complement: MORC2 is on the minus strand). VCF-style: chr22-30956762-C-T. GRCh37 (hg19) VCF-style: chr22-31352748-C-T.
Other names: c.157+1G>A (NM_001303257.2); c.-30+1G>A (NM_014941.3).
Identifiers: ClinVar variation 1318915 (VCV001318915.2), dbSNP rs2147303439, ClinGen allele CA411534200.

ClinVar aggregate classification (germline): Uncertain significance (1 of 4 stars; one submission).

Allele frequency attached by ClinVar (database versions not stated): gnomAD exomes below 0.00001.
gnomAD v4.1: 1 of 1,543,168 alleles (0.000065%); highest among the groups gnomAD compares: Non-Finnish European, 0.000088%; no homozygotes.

Submission:

GeneDx
Classification: Uncertain significance. Last evaluated: 2019-02-04. Review status: criteria provided, single submitter. Criteria: GeneDx Variant Classification Process June 2021. Collection method: clinical testing. Allele origin: germline. Affected: yes.
Comment: Not observed in large population cohorts (Lek et al., 2016; McVean et al., 2012; Exome Variant Server); Canonical splice site variant in a gene for which loss-of-function is not a known mechanism of disease; Has not been previously published as pathogenic or benign to our knowledge